The following is an entry in ClinVar:

ClinVar aggregate classification (germline): Uncertain significance (1 of 4 stars; one submission).

Submission:

Labcorp Genetics (formerly Invitae), Labcorp
Classification: Uncertain significance. Last evaluated: 2021-02-26. Review status: criteria provided, single submitter. Criteria: Invitae Variant Classification Sherloc (09022015). Collection method: clinical testing. Allele origin: germline.
Comment: This variant results in a copy number gain of the genomic region encompassing exons 21-23 of the COL4A4 gene. While the exact position of this variant cannot be determined from the data, sub-genic copy number gains are generally in tandem (PMID: 25640679). This variant is predicted to be in-frame, and likely preserves the integrity of the reading frame. This variant has not been reported in the literature in individuals with COL4A4-related conditions. Experimental studies and prediction algorithms are not available or were not evaluated, and the functional significance of this variant is currently unknown. In summary, the available evidence is currently insufficient to determine the role of this variant in disease. Therefore, it has been classified as a Variant of Uncertain Significance.

Literature cited by the submitters: PubMed 25640679.

NC_000002.11:g.(?_227946811)_(227954693_?)dup

Gene: COL4A4 (collagen type IV alpha 4 chain; minus strand). Cytogenetic location: 2q36.3.
Variant type: Duplication.
Identifiers: ClinVar variation 2422349 (VCV002422349.3).